The following is an entry in ClinVar:

NM_033310.3(KCNK4):c.153G>C (p.Pro51=)

Genes: KCNK4 (potassium two pore domain channel subfamily K member 4; plus strand), KCNK4-CATSPERZ (KCNK4-CATSPERZ readthrough (NMD candidate); plus strand). Cytogenetic location: 11q13.1.
Variant type: single nucleotide variant.
Coding change: c.153G>C on transcript NM_033310.3 (MANE Select); coding-DNA position 153, G replaced by C.
Protein change: p.Pro51=; no amino-acid change (proline 51 retained).
Molecular consequence: synonymous variant. On other transcripts: non-coding transcript variant (2).
Genome position (GRCh38, 1-based): chr11:64,293,171, G>C. VCF-style: chr11-64293171-G-C. GRCh37 (hg19) VCF-style: chr11-64060643-G-C.
Other names: c.153G>C, p.Pro51= (NM_001317090.2).
Identifiers: ClinVar variation 1563823 (VCV001563823.15), dbSNP rs757639151, ClinGen allele CA6072938.
Genomic context (GRCh38, chr11:64,293,171, plus strand): 5'-CGAGCAGCAGGCCCAGAGGGAGCTGGGGGAGGTCCGAGAGAAGTTCCTGAGGGCCCATCC[G>C]TGTGTGAGCGACCAGGAGCTGGGCCTCCTCATCAAGGTGCGTGGGTGGGCCGCAGCCCCT-3'
Protein context (NP_201567.1, residues 41-61): EVREKFLRAH[Pro51=]CVSDQELGLL

ClinVar aggregate classification (germline): Benign/Likely benign. Review status: criteria provided, multiple submitters, no conflicts (2 of 4 stars). 2 submissions from 2 submitters: Benign (1); Likely benign (1). Last evaluated 2025-10-11.

Allele frequency attached by ClinVar (database versions not stated): gnomAD 0.00002; TOPMed 0.00005; gnomAD exomes 0.00011.
gnomAD v4.1: 25 of 1,499,570 alleles (0.0017%); highest among the groups gnomAD compares: Admixed American, 0.055%; no homozygotes.

Submissions (2):

Labcorp Genetics (formerly Invitae), Labcorp
Classification: Benign. Last evaluated: 2025-10-11. Review status: criteria provided, single submitter. Criteria: Invitae Variant Classification Sherloc (09022015). Collection method: clinical testing. Allele origin: germline.

CeGaT Center for Human Genetics Tuebingen
Classification: Likely benign. Last evaluated: 2025-09-01. Review status: criteria provided, single submitter. Criteria: CeGaT Center For Human Genetics Tuebingen Variant Classification Criteria Version 2. Collection method: clinical testing. Allele origin: germline. Affected: yes. Observed: 1 variant allele.
Comment: KCNK4: BP4, BP7